The following is an entry in ClinVar:

ClinVar aggregate classification (germline): Uncertain significance. Review status: criteria provided, multiple submitters, no conflicts (2 of 4 stars). 2 submissions from 2 submitters: Uncertain significance (2). Last evaluated 2022-05-17.

Conditions:
Action myoclonus-renal failure syndrome. Also called: MYOCLONUS-NEPHROPATHY SYNDROME; EPILEPSY, PROGRESSIVE MYOCLONIC, 4, WITH RENAL FAILURE; EPILEPSY, PROGRESSIVE MYOCLONIC, 4, WITHOUT RENAL FAILURE; SCARB2-Related Action Myoclonus-Renal Failure Syndrome. Identifiers: Orphanet 163696, MedGen C0751779, MeSH D020191, MONDO:0009699, OMIM 254900.

Allele frequency attached by ClinVar (database versions not stated): gnomAD 0.00001.
gnomAD v4.1: 1 of 1,613,900 alleles (0.000062%); highest among the groups gnomAD compares: African/African-American, 0.0013%; no homozygotes.

Submissions (2):

Fulgent Genetics
Classification: Uncertain significance for Action myoclonus-renal failure syndrome. Last evaluated: 2022-05-17. Review status: criteria provided, single submitter. Criteria: ACMG Guidelines, 2015. Collection method: clinical testing. Allele origin: unknown.

Center for Pediatric Genomic Medicine, Children's Mercy Hospital and Clinics
Classification: Uncertain significance. Last evaluated: 2016-01-11. Review status: criteria provided, single submitter. Criteria: ACMG Guidelines, 2015. Collection method: clinical testing. Allele origin: germline.
ClinVar note: Converted during submission from Uncertain Significance to Uncertain significance.

NM_005506.4(SCARB2):c.241C>T (p.Pro81Ser)

Gene: SCARB2 (scavenger receptor class B member 2; minus strand). Cytogenetic location: 4q21.1.
Variant type: single nucleotide variant.
Coding change: c.241C>T on transcript NM_005506.4 (MANE Select); coding-DNA position 241, C replaced by T.
Protein change: p.Pro81Ser; replaces proline 81 with serine.
Molecular consequence: missense variant.
Genome position (GRCh38, 1-based): chr4:76,195,741, G>A on the plus strand (C>T on the coding strand, the complement: SCARB2 is on the minus strand). VCF-style: chr4-76195741-G-A. GRCh37 (hg19) VCF-style: chr4-77116894-G-A.
Other names: c.241C>T, p.Pro81Ser (NM_001204255.2); short protein forms P81S.
Identifiers: ClinVar variation 235353 (VCV000235353.4), dbSNP rs878853018, ClinGen allele CA10581286.